The following is an entry in ClinVar:

ClinVar aggregate classification (germline): Uncertain significance (1 of 4 stars; one submission).

Submission:

CeGaT Center for Human Genetics Tuebingen
Classification: Uncertain significance. Last evaluated: 2023-02-01. Review status: criteria provided, single submitter. Criteria: CeGaT Center For Human Genetics Tuebingen Variant Classification Criteria Version 2. Collection method: clinical testing. Allele origin: germline. Affected: yes. Observed: 1 variant allele.
Comment: SCN1A: PM2, PP2, PP4

NM_001165963.4(SCN1A):c.3422G>T (p.Ser1141Ile)

Genes: SCN1A (sodium voltage-gated channel alpha subunit 1; minus strand), LOC102724058 (uncharacterized LOC102724058; plus strand). Cytogenetic location: 2q24.3.
Variant type: single nucleotide variant.
Coding change: c.3422G>T on transcript NM_001165963.4 (MANE Select); coding-DNA position 3422, G replaced by T.
Protein change: p.Ser1141Ile; replaces serine 1141 with isoleucine.
Molecular consequence: missense variant. On other transcripts: non-coding transcript variant (1).
Genome position (GRCh38, 1-based): chr2:166,036,055, C>A on the plus strand (G>T on the coding strand, the complement: SCN1A is on the minus strand). VCF-style: chr2-166036055-C-A. GRCh37 (hg19) VCF-style: chr2-166892565-C-A.
Other names: c.3422G>T, p.Ser1141Ile (NM_001353948.2, NM_001202435.3); c.3389G>T, p.Ser1130Ile (NM_001353949.2, NM_001353950.2, NM_001353951.2 and 2 more transcripts); c.3386G>T, p.Ser1129Ile (NM_001353954.2, NM_001353955.2); c.3338G>T, p.Ser1113Ile (NM_001353957.2, NM_001353958.2, NM_001165964.3); c.3335G>T, p.Ser1112Ile (NM_001353960.2); c.980G>T, p.Ser327Ile (NM_001353961.2); short protein forms S1112I, S1113I, S1129I, S1130I, S1141I, S327I.
Identifiers: ClinVar variation 2498838 (VCV002498838.28), dbSNP rs1696302370, ClinGen allele CA349059000.
Genomic context (GRCh38, chr2:166,036,055, plus strand): 5'-TATATGTATATATGTATATGTATTCATACCTTCCCACACCTATAGAATCTTACCTCTTTG[C>A]TTTCTTCCAGATCCGATTCACTACTAAAGTCTTCCGTGTTTAAATTTTCAAAGTCAGATT-3'
Protein context (NP_001159435.1, residues 1131-1151): DFSSESDLEE[Ser1141Ile]KEKLNESSSS